The following is an entry in ClinVar:

NM_015175.3(NBEAL2):c.910C>T (p.Arg304Trp)

Gene: NBEAL2 (neurobeachin like 2; plus strand). Cytogenetic location: 3p21.31.
Variant type: single nucleotide variant.
Coding change: c.910C>T on transcript NM_015175.3 (MANE Select); coding-DNA position 910, C replaced by T.
Protein change: p.Arg304Trp; replaces arginine 304 with tryptophan.
Molecular consequence: missense variant.
Genome position (GRCh38, 1-based): chr3:46,991,673, C>T. VCF-style: chr3-46991673-C-T. GRCh37 (hg19) VCF-style: chr3-47033163-C-T.
Other names: c.889C>T, p.Arg297Trp (NM_001365116.2); short protein forms R297W, R304W.
Identifiers: ClinVar variation 3917550 (VCV003917550.2).
Genomic context (GRCh38, chr3:46,991,673, plus strand): 5'-CTTAATGCTGACTGGCCAGCTGGTCTGAGCTCAGGCCCCGAAGAGGCCCTTGTCACCCTC[C>T]GGGTCAGCATGCTCGGTGGGTATGGGCTCCCAGGCTCTTGGGGAAGGGGCACCATGAGGG-3'
Protein context (NP_055990.1, residues 294-314): SGPEEALVTL[Arg304Trp]VSMLDAIPMM

ClinVar aggregate classification (germline): Uncertain significance. Review status: criteria provided, multiple submitters, no conflicts (2 of 4 stars). 2 submissions from 2 submitters: Uncertain significance (2). Last evaluated 2026-05-06.

Conditions:
NBEAL2-related disorder. Also called: NBEAL2-related condition.
Inborn genetic diseases. Identifiers: MedGen C0950123, MeSH D030342.

Submissions (2):

PreventionGenetics, part of Exact Sciences
Classification: Uncertain significance for NBEAL2-related condition. Last evaluated: 2026-05-06. Review status: criteria provided, single submitter. Criteria: ACMG Guidelines, 2015. Collection method: clinical testing. Allele origin: germline.
Comment: The NBEAL2 c.910C>T variant is predicted to result in the amino acid substitution p.Arg304Trp. To our knowledge, this variant has not been reported in the literature. This variant is reported in 0.0043% of alleles in individuals of African descent in gnomAD. At this time, the clinical significance of this variant is uncertain due to the absence of conclusive functional and genetic evidence.

Ambry Genetics
Classification: Uncertain significance for Inborn genetic diseases. Last evaluated: 2025-04-01. Review status: criteria provided, single submitter. Criteria: Ambry Variant Classification Scheme 2023. Collection method: clinical testing. Allele origin: germline.